The following is an entry in ClinVar:

NM_001701.4(BAAT):c.409G>A (p.Val137Ile)

Gene: BAAT (bile acid-CoA:amino acid N-acyltransferase; minus strand). Cytogenetic location: 9q31.1.
Variant type: single nucleotide variant.
Coding change: c.409G>A on transcript NM_001701.4 (MANE Select); coding-DNA position 409, G replaced by A.
Protein change: p.Val137Ile; replaces valine 137 with isoleucine.
Molecular consequence: missense variant.
Genome position (GRCh38, 1-based): chr9:101,370,996, C>T on the plus strand (G>A on the coding strand, the complement: BAAT is on the minus strand). VCF-style: chr9-101370996-C-T. GRCh37 (hg19) VCF-style: chr9-104133278-C-T.
Other names: p.Val137Ile; c.409G>A, p.Val137Ile (NM_001127610.2, NM_001374715.1); short protein forms V137I.
Identifiers: ClinVar variation 289597 (VCV000289597.60), dbSNP rs144591246, ClinGen allele CA5160725.

ClinVar aggregate classification (germline): Benign/Likely benign. Review status: criteria provided, multiple submitters, no conflicts (2 of 4 stars). 7 submissions from 7 submitters: Benign (2); Likely benign (4). 1 of the submissions does not count toward it. Last evaluated 2026-08-01.

Conditions:
BAAT-related disorder. Also called: BAAT-related condition.
Hypercholanemia, familial 1 (FHCA1). Identifiers: Orphanet 238475, MedGen C5542604, MONDO:0031446, OMIM 607748.

Allele frequency attached by ClinVar (database versions not stated): TOPMed 0.00208; gnomAD exomes 0.00228 and 0.00262; ESP Exome Variant Server 0.00254; ExAC 0.00297; gnomAD 0.00315 and 0.00322; 1000 Genomes Project 30x 0.00031; 1000 Genomes Project 0.00040.
gnomAD v4.1: 3,794 of 1,614,132 alleles (0.24%); highest among the groups gnomAD compares: Non-Finnish European, 0.27%; 30 homozygotes.

Submissions (7):

CeGaT Center for Human Genetics Tuebingen
Classification: Likely benign. Last evaluated: 2026-08-01. Review status: criteria provided, single submitter. Criteria: CeGaT Center For Human Genetics Tuebingen Variant Classification Criteria Version 2. Collection method: clinical testing. Allele origin: germline. Affected: yes. Observed: 9 variant alleles.
Comment: BAAT: BS2

Labcorp Genetics (formerly Invitae), Labcorp
Classification: Benign. Last evaluated: 2026-01-20. Review status: criteria provided, single submitter. Criteria: Invitae Variant Classification Sherloc (09022015). Collection method: clinical testing. Allele origin: germline.

Mayo Clinic Laboratories, Mayo Clinic
Classification: Benign. Last evaluated: 2022-10-11. Review status: criteria provided, single submitter. Criteria: ACMG Guidelines, 2015. Collection method: clinical testing. Allele origin: germline. Observed: 3 variant alleles.
Comment: BS1, BS2

Illumina Laboratory Services, Illumina
Classification: Likely benign for Hypercholanemia, familial 1. Last evaluated: 2018-01-13. Review status: criteria provided, single submitter. Criteria: ICSL Variant Classification Criteria 13 December 2019. Collection method: clinical testing. Allele origin: germline.
Comment: This variant was observed in the ICSL laboratory as part of a predisposition screen in an ostensibly healthy population. It had not been previously curated by ICSL or reported in the Human Gene Mutation Database (HGMD: prior to June 1st, 2018), and was therefore a candidate for classification through an automated scoring system. Utilizing variant allele frequency, disease prevalence and penetrance estimates, and inheritance mode, an automated score was calculated to assess if this variant is too frequent to cause the disease. Based on the score and internal cut-off values, a variant classified as likely benign is not then subjected to further curation. The score for this variant resulted in a classification of likely benign for this disease.

Eurofins Ntd Llc (ga)
Classification: Likely benign. Last evaluated: 2016-07-18. Review status: criteria provided, single submitter. Criteria: EGL Classification Definitions 2015. Collection method: clinical testing. Allele origin: germline. Observed: 1 variant allele, 1 heterozygote.

Breakthrough Genomics
Classification: Likely benign. Review status: criteria provided, single submitter. Criteria: ACMG Guidelines, 2015. Collection method: not provided. Allele origin: germline. Inheritance: Autosomal recessive inheritance. Affected: yes.

PreventionGenetics, part of Exact Sciences
Classification: Benign for BAAT-related condition. Last evaluated: 2020-03-09. Review status: no assertion criteria provided. Collection method: clinical testing. Allele origin: germline. Not counted in ClinVar's aggregate classification.
Comment: This variant is classified as benign based on ACMG/AMP sequence variant interpretation guidelines (Richards et al. 2015 PMID: 25741868, with internal and published modifications).